The following is an entry in ClinVar:

NM_001080517.3(SETD5):c.1868G>A (p.Arg623Lys)

Gene: SETD5 (SET domain containing 5; plus strand). Cytogenetic location: 3p25.3.
Variant type: single nucleotide variant.
Coding change: c.1868G>A on transcript NM_001080517.3 (MANE Select); coding-DNA position 1868, G replaced by A.
Protein change: p.Arg623Lys; replaces arginine 623 with lysine.
Molecular consequence: missense variant.
Genome position (GRCh38, 1-based): chr3:9,447,771, G>A. VCF-style: chr3-9447771-G-A. GRCh37 (hg19) VCF-style: chr3-9489455-G-A.
Other names: c.1868G>A (NM_001080517.1); c.1574G>A, p.Arg525Lys (NM_001292043.2, NM_001349451.2); short protein forms R525K, R623K.
Identifiers: ClinVar variation 1491245 (VCV001491245.9), dbSNP rs2042187649, ClinGen allele CA351697247.
Genomic context (GRCh38, chr3:9,447,771, plus strand): 5'-CCAAGCCACCTCCAGCAAAGCCTTCTAGGCCCCGGCCGAAGAGTCGAATTTCTCGGTACA[G>A]GACCAGTTCAGCCCAAAGACTAAAGCGTCAGAAGCAGGCCAATGCACAGCAGGCAGAATT-3'
Protein context (NP_001073986.1, residues 613-633): PRPKSRISRY[Arg623Lys]TSSAQRLKRQ

ClinVar aggregate classification (germline): Uncertain significance. Review status: criteria provided, multiple submitters, no conflicts (2 of 4 stars). 2 submissions from 2 submitters: Uncertain significance (2). Last evaluated 2025-03-26.

Conditions:
Inborn genetic diseases. Identifiers: MedGen C0950123, MeSH D030342.

Allele frequency attached by ClinVar (database versions not stated): gnomAD exomes below 0.00001.
gnomAD v4.1: 1 of 1,613,996 alleles (0.000062%); highest among the groups gnomAD compares: Non-Finnish European, 0.000085%; no homozygotes.

Submissions (2):

Labcorp Genetics (formerly Invitae), Labcorp
Classification: Uncertain significance. Last evaluated: 2025-03-26. Review status: criteria provided, single submitter. Criteria: Invitae Variant Classification Sherloc (09022015). Collection method: clinical testing. Allele origin: germline.
Comment: This sequence change replaces arginine, which is basic and polar, with lysine, which is basic and polar, at codon 623 of the SETD5 protein (p.Arg623Lys). This variant is not present in population databases (gnomAD no frequency). This variant has not been reported in the literature in individuals affected with SETD5-related conditions. ClinVar contains an entry for this variant (Variation ID: 1491245). Invitae Evidence Modeling of protein sequence and biophysical properties (such as structural, functional, and spatial information, amino acid conservation, physicochemical variation, residue mobility, and thermodynamic stability) has been performed for this missense variant. However, the output from this modeling did not meet the statistical confidence thresholds required to predict the impact of this variant on SETD5 protein function. In summary, the available evidence is currently insufficient to determine the role of this variant in disease. Therefore, it has been classified as a Variant of Uncertain Significance.

Ambry Genetics
Classification: Uncertain significance for Inborn genetic diseases. Last evaluated: 2025-02-01. Review status: criteria provided, single submitter. Criteria: Ambry Variant Classification Scheme 2023. Collection method: clinical testing. Allele origin: germline.